The following is an entry in ClinVar:

NM_025207.5(FLAD1):c.1671G>A (p.Pro557=)

Gene: FLAD1 (flavin adenine dinucleotide synthetase 1; plus strand). Cytogenetic location: 1q21.3.
Variant type: single nucleotide variant.
Coding change: c.1671G>A on transcript NM_025207.5 (MANE Select); coding-DNA position 1671, G replaced by A.
Protein change: p.Pro557=; no amino-acid change (proline 557 retained).
Molecular consequence: synonymous variant. On other transcripts: 3 prime UTR variant (1).
Genome position (GRCh38, 1-based): chr1:154,992,944, G>A. VCF-style: chr1-154992944-G-A. GRCh37 (hg19) VCF-style: chr1-154965420-G-A.
Other names: c.*154G>A (NM_001184891.2); c.1380G>A, p.Pro460= (NM_201398.3).
Identifiers: ClinVar variation 2179785 (VCV002179785.13), dbSNP rs778589730, ClinGen allele CA1134663.

ClinVar aggregate classification (germline): Likely benign. Review status: criteria provided, multiple submitters, no conflicts (2 of 4 stars). 3 submissions from 3 submitters: Likely benign (3). Last evaluated 2025-07-01.

Allele frequency attached by ClinVar (database versions not stated): gnomAD exomes 0.00002; ExAC 0.00003.
gnomAD v4.1: 22 of 1,613,910 alleles (0.0014%); highest among the groups gnomAD compares: Middle Eastern, 0.033%; no homozygotes.

Submissions (3):

CeGaT Center for Human Genetics Tuebingen
Classification: Likely benign. Last evaluated: 2025-07-01. Review status: criteria provided, single submitter. Criteria: CeGaT Center For Human Genetics Tuebingen Variant Classification Criteria Version 2. Collection method: clinical testing. Allele origin: germline. Affected: yes. Observed: 1 variant allele.
Comment: FLAD1: BP4, BP7

Labcorp Genetics (formerly Invitae), Labcorp
Classification: Likely benign. Last evaluated: 2023-10-03. Review status: criteria provided, single submitter. Criteria: Invitae Variant Classification Sherloc (09022015). Collection method: clinical testing. Allele origin: germline.

Blueprint Genetics
Classification: Likely benign. Last evaluated: 2023-03-06. Review status: criteria provided, single submitter. Criteria: ACMG Guidelines, 2015. Collection method: clinical testing. Allele origin: germline.